The following is an entry in ClinVar:

NM_000179.3(MSH6):c.2189A>T (p.Tyr730Phe)

Gene: MSH6 (mutS homolog 6; plus strand). Cytogenetic location: 2p16.3.
Variant type: single nucleotide variant.
Coding change: c.2189A>T on transcript NM_000179.3 (MANE Select); coding-DNA position 2189, A replaced by T.
Protein change: p.Tyr730Phe; replaces tyrosine 730 with phenylalanine.
Molecular consequence: missense variant.
Genome position (GRCh38, 1-based): chr2:47,800,172, A>T. VCF-style: chr2-47800172-A-T. GRCh37 (hg19) VCF-style: chr2-48027311-A-T.
Other names: c.1799A>T, p.Tyr600Phe (NM_001281492.2); c.1283A>T, p.Tyr428Phe (NM_001281493.2, NM_001281494.2); short protein forms Y730F, Y600F, Y428F.
Identifiers: ClinVar variation 582887 (VCV000582887.10), dbSNP rs587782900, ClinGen allele CA346751263.
Genomic context (GRCh38, chr2:47,800,172, plus strand): 5'-TTCCCTTGGATTCTGACACAGTCAGCACTACAAGATCTGGTGCTATCTTCACCAAAGCCT[A>T]TCAACGAATGGTGCTAGATGCAGTGACATTAAACAACTTGGAGATTTTTCTGAATGGAAC-3'
Protein context (NP_000170.1, residues 720-740): TRSGAIFTKA[Tyr730Phe]QRMVLDAVTL

ClinVar aggregate classification (germline): Uncertain significance. Review status: criteria provided, multiple submitters, no conflicts (2 of 4 stars). 3 submissions from 3 submitters: Uncertain significance (3). Last evaluated 2024-09-23.

Conditions:
Lynch syndrome. Identifiers: Orphanet 144, MedGen C4552100, MONDO:0005835. Disease mechanism: loss of function.
Hereditary nonpolyposis colorectal neoplasms. Identifiers: MedGen C0009405, MeSH D003123.
Hereditary cancer-predisposing syndrome. Also called: Neoplastic Syndromes, Hereditary; Hereditary Cancer Syndrome; Tumor predisposition; Hereditary neoplastic syndrome. Identifiers: Orphanet 140162, MedGen C0027672, MeSH D009386, MONDO:0015356.

Submissions (3):

All of Us Research Program, National Institutes of Health
Classification: Uncertain significance for Lynch syndrome. Last evaluated: 2024-09-23. Review status: criteria provided, single submitter. Criteria: ACMG Guidelines, 2015. Collection method: clinical testing. Allele origin: germline. Inheritance: Autosomal dominant inheritance. Observed: 1 variant allele, 1 heterozygote.
Comment: This study involves interpretation of variants in research participants for the purpose of population health screening. Participant phenotype was not available at the time of variant classification. Additional details can be found in publication PMID: 35346344, PMCID: PMC8962531

Labcorp Genetics (formerly Invitae), Labcorp
Classification: Uncertain significance for Hereditary nonpolyposis colorectal neoplasms. Last evaluated: 2021-11-05. Review status: criteria provided, single submitter. Criteria: Invitae Variant Classification Sherloc (09022015). Collection method: clinical testing. Allele origin: germline.
Comment: In summary, the available evidence is currently insufficient to determine the role of this variant in disease. Therefore, it has been classified as a Variant of Uncertain Significance. Advanced modeling of protein sequence and biophysical properties (such as structural, functional, and spatial information, amino acid conservation, physicochemical variation, residue mobility, and thermodynamic stability) performed at Invitae indicates that this missense variant is not expected to disrupt MSH6 protein function. ClinVar contains an entry for this variant (Variation ID: 582887). This variant has not been reported in the literature in individuals affected with MSH6-related conditions. This variant is not present in population databases (gnomAD no frequency). This sequence change replaces tyrosine, which is neutral and polar, with phenylalanine, which is neutral and non-polar, at codon 730 of the MSH6 protein (p.Tyr730Phe).

Ambry Genetics
Classification: Uncertain significance for Hereditary cancer-predisposing syndrome. Last evaluated: 2020-10-22. Review status: criteria provided, single submitter. Criteria: Ambry Variant Classification Scheme 2023. Collection method: clinical testing. Allele origin: germline.
Comment: The p.Y730F variant (also known as c.2189A>T), located in coding exon 4 of the MSH6 gene, results from an A to T substitution at nucleotide position 2189. The tyrosine at codon 730 is replaced by phenylalanine, an amino acid with highly similar properties. This amino acid position is poorly conserved in available vertebrate species. In addition, this alteration is predicted to be tolerated by in silico analysis. Since supporting evidence is limited at this time, the clinical significance of this alteration remains unclear.